The following is an entry in ClinVar:

NM_017534.6(MYH2):c.2631G>A (p.Lys877=)

Genes: MYHAS (myosin heavy chain gene cluster antisense RNA; plus strand), MYH2 (myosin heavy chain 2; minus strand). Cytogenetic location: 17p13.1.
Variant type: single nucleotide variant.
Coding change: c.2631G>A on transcript NM_017534.6 (MANE Select); coding-DNA position 2631, G replaced by A.
Protein change: p.Lys877=; no amino-acid change (lysine 877 retained).
Molecular consequence: synonymous variant.
Genome position (GRCh38, 1-based): chr17:10,531,699, C>T on the plus strand (G>A on the coding strand, the complement: MYH2 is on the minus strand). VCF-style: chr17-10531699-C-T. GRCh37 (hg19) VCF-style: chr17-10435016-C-T.
Other names: p.Lys877=; c.2631G>A, p.Lys877= (NM_001100112.2).
Identifiers: ClinVar variation 707807 (VCV000707807.12), dbSNP rs139585266, ClinGen allele CA8391098.
Genomic context (GRCh38, chr17:10,531,699, plus strand): 5'-AACTTGGAGCTGCAAGTCATTTTTTTCTTTCAACAGCGTCACCATCTTTTCTTCCAGTTC[C>T]TTCCTTTTTGCCTCTGACTTGGCAAGTTCGTCTTTAATTTTCTGAAATTCTTCCTTCATG-3'
Protein context (NP_060004.3, residues 867-887): DELAKSEAKR[Lys877=]ELEEKMVTLL

ClinVar aggregate classification (germline): Likely benign. Review status: criteria provided, multiple submitters, no conflicts (2 of 4 stars). 3 submissions from 3 submitters: Likely benign (2). 1 of the submissions does not count toward it. Last evaluated 2026-02-01.

Conditions:
MYH2-related disorder. Also called: MYH2-related condition.
Myopathy, proximal, and ophthalmoplegia (CMYO6). Also called: INCLUSION BODY MYOPATHY 3, AUTOSOMAL DOMINANT; CONGENITAL MYOPATHY 6 WITH OPHTHALMOPLEGIA; MYOPATHY WITH CONGENITAL JOINT CONTRACTURES, OPHTHALMOPLEGIA, AND RIMMED VACUOLES. Identifiers: Orphanet 363677, Orphanet 79091, MedGen C1854106, MONDO:0011577, OMIM 605637.

Allele frequency attached by ClinVar (database versions not stated): ESP Exome Variant Server 0.00008; TOPMed 0.00012; gnomAD 0.00015 and 0.00016; gnomAD exomes 0.00016 and 0.00026; ExAC 0.00021.
gnomAD v4.1: 401 of 1,614,062 alleles (0.025%); highest among the groups gnomAD compares: Non-Finnish European, 0.032%; no homozygotes.

Submissions (3):

Labcorp Genetics (formerly Invitae), Labcorp
Classification: Likely benign for Myopathy, proximal, and ophthalmoplegia. Last evaluated: 2026-02-01. Review status: criteria provided, single submitter. Criteria: Invitae Variant Classification Sherloc (09022015). Collection method: clinical testing. Allele origin: germline.

Mayo Clinic Laboratories, Mayo Clinic
Classification: Likely benign. Last evaluated: 2025-05-14. Review status: criteria provided, single submitter. Criteria: ACMG Guidelines, 2015. Collection method: clinical testing. Allele origin: germline. Observed: 1 variant allele.
Comment: BP4, BP7

PreventionGenetics, part of Exact Sciences
Classification: Likely benign for MYH2-related condition. Last evaluated: 2024-07-16. Review status: no assertion criteria provided. Collection method: clinical testing. Allele origin: germline. Not counted in ClinVar's aggregate classification.
Comment: This variant is classified as likely benign based on ACMG/AMP sequence variant interpretation guidelines (Richards et al. 2015 PMID: 25741868, with internal and published modifications).